The following is an entry in ClinVar:

ClinVar aggregate classification (germline): Uncertain significance (1 of 4 stars; one submission).

Submission:

Women's Health and Genetics/Laboratory Corporation of America, LabCorp
Classification: Uncertain significance. Last evaluated: 2026-03-02. Review status: criteria provided, single submitter. Criteria: LabCorp Variant Classification Summary - May 2015. Collection method: clinical testing. Allele origin: germline.
Comment: Variant summary: OTOF c.4362G>A (p.Lys1454Lys) alters a conserved nucleotide located close to a canonical splice site and therefore could affect mRNA splicing, leading to a significantly altered protein sequence. Several computational tools predict a significant impact on normal splicing: Two predict the variant abolishes a 5' splicing donor site. Two predict the variant weakens a 5' donor site. However, these predictions have yet to be confirmed by functional studies. The frequency data for this variant in gnomAD is considered unreliable, as metrics indicate poor data quality at this position. To our knowledge, no occurrence of c.4362G>A in individuals affected with OTOF-related conditions and no experimental evidence demonstrating its impact on protein function have been reported. No submitters have cited clinical-significance assessments for this variant to ClinVar. Based on the evidence outlined above, the variant was classified as uncertain significance.

NM_194248.3(OTOF):c.4362G>A (p.Lys1454=)

Gene: OTOF (otoferlin; minus strand). Cytogenetic location: 2p23.3.
Variant type: single nucleotide variant.
Coding change: c.4362G>A on transcript NM_194248.3 (MANE Select); coding-DNA position 4362, G replaced by A.
Protein change: p.Lys1454=; no amino-acid change (lysine 1454 retained).
Molecular consequence: synonymous variant.
Genome position (GRCh38, 1-based): chr2:26,467,099, C>T on the plus strand (G>A on the coding strand, the complement: OTOF is on the minus strand). VCF-style: chr2-26467099-C-T. GRCh37 (hg19) VCF-style: chr2-26689967-C-T.
Other names: c.4362G>A, p.Lys1454= (NM_001287489.2); c.2061G>A, p.Lys687= (NM_004802.4, NM_194323.3); c.2292G>A, p.Lys764= (NM_194322.3).
Identifiers: ClinVar variation 4847550 (VCV004847550.1).